The following is an entry in ClinVar:

ClinVar aggregate classification (germline): Likely benign. Review status: criteria provided, multiple submitters, no conflicts (2 of 4 stars). 3 submissions from 3 submitters: Likely benign (2). 1 of the submissions does not count toward it. Last evaluated 2025-12-21.

Conditions:
TSC2-related disorder. Also called: TSC2-related condition; TSC2-Related Disorders.
Tuberous sclerosis 2 (TSC2). Identifiers: Orphanet 805, MedGen C1860707, MONDO:0013199, OMIM 613254.

Allele frequency attached by ClinVar (database versions not stated): gnomAD exomes below 0.00001.
gnomAD v4.1: 3 of 1,613,252 alleles (0.00019%); highest among the groups gnomAD compares: Non-Finnish European, 0.00025%; no homozygotes.

Submissions (3):

Labcorp Genetics (formerly Invitae), Labcorp
Classification: Likely benign for Tuberous sclerosis 2. Last evaluated: 2025-12-21. Review status: criteria provided, single submitter. Criteria: Invitae Variant Classification Sherloc (09022015). Collection method: clinical testing. Allele origin: germline.

Myriad Genetics, Inc.
Classification: Likely benign for Tuberous sclerosis 2. Last evaluated: 2025-06-03. Review status: criteria provided, single submitter. Criteria: Myriad Autosomal Dominant, Autosomal Recessive and X-Linked Classification Criteria (2023). Collection method: clinical testing. Allele origin: unknown.
Comment: This variant is considered likely benign. This variant is intronic and is not expected to impact mRNA splicing.

PreventionGenetics, part of Exact Sciences
Classification: Likely benign for TSC2-related condition. Last evaluated: 2023-11-06. Review status: no assertion criteria provided. Collection method: clinical testing. Allele origin: germline. Not counted in ClinVar's aggregate classification.
Comment: This variant is classified as likely benign based on ACMG/AMP sequence variant interpretation guidelines (Richards et al. 2015 PMID: 25741868, with internal and published modifications).

NM_000548.5(TSC2):c.4494-7T>C

Gene: TSC2 (TSC complex subunit 2; plus strand). Cytogenetic location: 16p13.3.
Variant type: single nucleotide variant.
Coding change: c.4494-7T>C on transcript NM_000548.5 (MANE Select); 7 bases into the intron before coding-DNA position 4494, T replaced by C.
Molecular consequence: intron variant.
Genome position (GRCh38, 1-based): chr16:2,084,944, T>C. VCF-style: chr16-2084944-T-C. GRCh37 (hg19) VCF-style: chr16-2134945-T-C.
Other names: c.4425-7T>C (NM_001114382.3); c.4365-7T>C (NM_021055.3, NM_001370405.1); c.4296-7T>C (NM_001363528.2); c.4362-7T>C (NM_001370404.1); c.4293-7T>C (NM_001077183.3); c.4185-7T>C (NM_001318827.2); c.3762-7T>C (NM_001318831.2); c.4149-7T>C (NM_001318829.2); and 2 more.
Identifiers: ClinVar variation 413671 (VCV000413671.14), dbSNP rs1060504099, ClinGen allele CA16614767.
Genomic context (GRCh38, chr16:2,084,944, plus strand): 5'-TCCCTGTGGGCTGTGGCTGCCCTGGCCAGGCCCTCACCTGGGTGCCCACCATCCCCTCCC[T>C]GTGCAGTTTCGTGTTCCTGCAGCTCTACCATTCCCCCTTCTTTGGCGACGAGTCAAACAA-3'